The following is an entry in ClinVar:

ClinVar aggregate classification (germline): Uncertain significance (1 of 4 stars; one submission).

Conditions:
USH2A-related disorder. Also called: USH2A-related disorders; USH2A-related condition. Identifiers: MedGen CN239332.

Submission:

Myriad Genetics, Inc.
Classification: Uncertain significance for USH2A-related disorder. Last evaluated: 2026-04-21. Review status: criteria provided, single submitter. Criteria: Myriad Autosomal Dominant, Autosomal Recessive and X-Linked Classification Criteria (2023). Collection method: clinical testing. Allele origin: unknown.
Comment: NM_206933.2(USH2A):c.3500T>G(L1167R) is a missense variant classified as a variant of uncertain significance in the context of USH2A-related disorders. L1167R has been observed in cases with relevant disease (PMID: 31904091, 36110214). Relevant functional assessments of this variant are not available in the literature. L1167R has not been observed in referenced population frequency databases. In summary, there is insufficient evidence to classify NM_206933.2(USH2A):c.3500T>G(L1167R) as pathogenic or benign. Please note: this variant was assessed in the context of healthy population screening.

Literature cited by the submitters: PubMed 31904091; PubMed 36110214.

NM_206933.4(USH2A):c.3500T>G (p.Leu1167Arg)

Genes: USH2A (usherin; minus strand), USH2A-AS1 (USH2A antisense RNA 1; plus strand). Cytogenetic location: 1q41.
Variant type: single nucleotide variant.
Coding change: c.3500T>G on transcript NM_206933.4 (MANE Select); coding-DNA position 3500, T replaced by G.
Protein change: p.Leu1167Arg; replaces leucine 1167 with arginine.
Molecular consequence: missense variant.
Genome position (GRCh38, 1-based): chr1:216,199,938, A>C on the plus strand (T>G on the coding strand, the complement: USH2A is on the minus strand). VCF-style: chr1-216199938-A-C. GRCh37 (hg19) VCF-style: chr1-216373280-A-C.
Other names: c.3500T>G, p.Leu1167Arg (NM_007123.6); short protein forms L1167R.
Identifiers: ClinVar variation 5003740 (VCV005003740.1).